The following is an entry in ClinVar:

ClinVar aggregate classification (germline): Uncertain significance (1 of 4 stars; one submission).

Conditions:
Muscular dystrophy-dystroglycanopathy (congenital with brain and eye anomalies), type a, 11 (MDDGA11). Also called: Muscular dystrophy-dystroglycanopathy (congenital with brain and eye anomalies, type A, 11; WALKER-WARBURG SYNDROME OR MUSCLE-EYE-BRAIN DISEASE, B3GALNT2-RELATED; Congenital muscular dystrophy-dystroglycanopathy with brain and eye anomalies, type A11. Identifiers: Orphanet 588, Orphanet 899, MedGen C3554638, MONDO:0014071, OMIM 615181.

Submission:

Labcorp Genetics (formerly Invitae), Labcorp
Classification: Uncertain significance for Muscular dystrophy-dystroglycanopathy (congenital with brain and eye anomalies), type a, 11. Last evaluated: 2021-03-09. Review status: criteria provided, single submitter. Criteria: Invitae Variant Classification Sherloc (09022015). Collection method: clinical testing. Allele origin: germline.
Comment: This sequence change replaces leucine with tryptophan at codon 351 of the B3GALNT2 protein (p.Leu351Trp). The leucine residue is moderately conserved and there is a small physicochemical difference between leucine and tryptophan. This variant is not present in population databases (ExAC no frequency). This variant has not been reported in the literature in individuals with B3GALNT2-related conditions. Algorithms developed to predict the effect of missense changes on protein structure and function are either unavailable or do not agree on the potential impact of this missense change (SIFT: "Deleterious"; PolyPhen-2: "Possibly Damaging"; Align-GVGD: "Class C0"). In summary, the available evidence is currently insufficient to determine the role of this variant in disease. Therefore, it has been classified as a Variant of Uncertain Significance.

NM_152490.5(B3GALNT2):c.1052T>G (p.Leu351Trp)

Gene: B3GALNT2 (beta-1,3-N-acetylgalactosaminyltransferase 2; minus strand). Cytogenetic location: 1q42.3.
Variant type: single nucleotide variant.
Coding change: c.1052T>G on transcript NM_152490.5 (MANE Select); coding-DNA position 1052, T replaced by G.
Protein change: p.Leu351Trp; replaces leucine 351 with tryptophan.
Molecular consequence: missense variant.
Genome position (GRCh38, 1-based): chr1:235,455,658, A>C on the plus strand (T>G on the coding strand, the complement: B3GALNT2 is on the minus strand). VCF-style: chr1-235455658-A-C. GRCh37 (hg19) VCF-style: chr1-235618970-A-C.
Other names: short protein forms L351W.
Identifiers: ClinVar variation 1377594 (VCV001377594.8), dbSNP rs772233739, ClinGen allele CA344958171.
Genomic context (GRCh38, chr1:235,455,658, plus strand): 5'-ACAATCCTATTAAATACAGCTTCGAGGTCTATGTAACAGTCATCATCTGTCTTCAGCAAC[A>C]AATTGAAGCTCGTTGTTTCCACAGTCCTGTTGACACAAAAGGGATAAGAAAGTCAGTGCG-3'
Protein context (NP_689703.1, residues 341-361): RWTVETTSFN[Leu351Trp]LLKTDDDCYI